The following is an entry in ClinVar:

NM_001184900.3(CARD8):c.1276T>A (p.Leu426Met)

Gene: CARD8 (caspase recruitment domain family member 8; minus strand). Cytogenetic location: 19q13.33.
Variant type: single nucleotide variant.
Coding change: c.1276T>A on transcript NM_001184900.3 (MANE Select); coding-DNA position 1276, T replaced by A.
Protein change: p.Leu426Met; replaces leucine 426 with methionine.
Molecular consequence: missense variant. On other transcripts: non-coding transcript variant (2), intron variant (7).
Genome position (GRCh38, 1-based): chr19:48,218,898, A>T on the plus strand (T>A on the coding strand, the complement: CARD8 is on the minus strand). VCF-style: chr19-48218898-A-T. GRCh37 (hg19) VCF-style: chr19-48722155-A-T.
Other names: c.846+2832T>A (NM_001351791.2, NM_001351792.2); c.1011+2832T>A (NM_001351788.2, NM_001351789.2); c.918+2832T>A (NM_001351790.2); c.1161+2832T>A (NM_001184902.2, NM_001184903.1); c.1126T>A, p.Leu376Met (NM_001184901.1, NM_001351783.2, NM_014959.5); c.1276T>A, p.Leu426Met (NM_001351782.2); c.961T>A, p.Leu321Met (NM_001351784.2, NM_001351787.2); c.940T>A, p.Leu314Met (NM_001351786.2); and 1 more; short protein forms L314M, L376M, L320M, L321M, L426M.
Identifiers: ClinVar variation 1490400 (VCV001490400.8), dbSNP rs763961255, ClinGen allele CA406664605.
Genomic context (GRCh38, chr19:48,218,898, plus strand): 5'-GTCTAAAAATGCCAGCCTCGCCCACTCACCTACCTGGCTTCACCTCAGTATCCCACACCA[A>T]AGTCCCATGTCTTTTTTCAGTAATCTCAAGTTGAATGGGTTCCTTCATCTGCCCAGCATA-3'
Protein context (NP_001171829.1, residues 416-436): LEITEKRHGT[Leu426Met]VWDTEVKPVD

ClinVar aggregate classification (germline): Uncertain significance (1 of 4 stars; one submission).

Submission:

Labcorp Genetics (formerly Invitae), Labcorp
Classification: Uncertain significance. Last evaluated: 2022-11-11. Review status: criteria provided, single submitter. Criteria: Invitae Variant Classification Sherloc (09022015). Collection method: clinical testing. Allele origin: germline.
Comment: This sequence change replaces leucine, which is neutral and non-polar, with methionine, which is neutral and non-polar, at codon 376 of the CARD8 protein (p.Leu376Met). This variant is not present in population databases (gnomAD no frequency). This variant has not been reported in the literature in individuals affected with CARD8-related conditions. ClinVar contains an entry for this variant (Variation ID: 1490400). Algorithms developed to predict the effect of missense changes on protein structure and function are either unavailable or do not agree on the potential impact of this missense change (SIFT: "Deleterious"; PolyPhen-2: "Probably Damaging"; Align-GVGD: "Class C0"). In summary, the available evidence is currently insufficient to determine the role of this variant in disease. Therefore, it has been classified as a Variant of Uncertain Significance.